The following is an entry in ClinVar:

ClinVar aggregate classification (germline): Uncertain significance. Review status: criteria provided, multiple submitters, no conflicts (2 of 4 stars). 2 submissions from 2 submitters: Uncertain significance (2). Last evaluated 2026-01-09.

Conditions:
Symmetrical dyschromatosis of extremities (DSH). Also called: DYSCHROMATOSIS SYMMETRICA HEREDITARIA 1; RETICULATE ACROPIGMENTATION OF DOHI; SYMMETRIC DYSCHROMATOSIS OF THE EXTREMITIES; Dyschromatosis symmetrica hereditaria. Identifiers: Orphanet 41, MedGen C0406775, MONDO:0007483, OMIM 127400.
Aicardi-Goutieres syndrome 6 (AGS6). Identifiers: Orphanet 51, MedGen C3539013, MONDO:0014007, OMIM 615010.

Submissions (2):

Labcorp Genetics (formerly Invitae), Labcorp
Classification: Uncertain significance for Aicardi-Goutieres syndrome 6; Symmetrical dyschromatosis of extremities. Last evaluated: 2026-01-09. Review status: criteria provided, single submitter. Criteria: Invitae Variant Classification Sherloc (09022015). Collection method: clinical testing. Allele origin: germline.
Comment: This sequence change replaces cysteine, which is neutral and slightly polar, with tyrosine, which is neutral and polar, at codon 851 of the ADAR protein (p.Cys851Tyr). This variant is not present in population databases (gnomAD no frequency). This variant has not been reported in the literature in individuals affected with ADAR-related conditions. ClinVar contains an entry for this variant (Variation ID: 2639373). Invitae Evidence Modeling of protein sequence and biophysical properties (such as structural, functional, and spatial information, amino acid conservation, physicochemical variation, residue mobility, and thermodynamic stability) indicates that this missense variant is not expected to disrupt ADAR protein function with a negative predictive value of 80%. In summary, the available evidence is currently insufficient to determine the role of this variant in disease. Therefore, it has been classified as a Variant of Uncertain Significance.

CeGaT Center for Human Genetics Tuebingen
Classification: Uncertain significance. Last evaluated: 2023-01-01. Review status: criteria provided, single submitter. Criteria: CeGaT Center For Human Genetics Tuebingen Variant Classification Criteria Version 2. Collection method: clinical testing. Allele origin: germline. Affected: yes. Observed: 1 variant allele.
Comment: ADAR: PM2

NM_001111.5(ADAR):c.2552G>A (p.Cys851Tyr)

Genes: ADAR (adenosine deaminase RNA specific; minus strand), LOC126805874 (CDK7 strongly-dependent group 2 enhancer GRCh37_chr1:154561176-154562375; plus strand). Cytogenetic location: 1q21.3.
Variant type: single nucleotide variant.
Coding change: c.2552G>A on transcript NM_001111.5 (MANE Select); coding-DNA position 2552, G replaced by A.
Protein change: p.Cys851Tyr; replaces cysteine 851 with tyrosine.
Molecular consequence: missense variant.
Genome position (GRCh38, 1-based): chr1:154,589,873, C>T on the plus strand (G>A on the coding strand, the complement: ADAR is on the minus strand). VCF-style: chr1-154589873-C-T. GRCh37 (hg19) VCF-style: chr1-154562349-C-T.
Other names: c.1667G>A, p.Cys556Tyr (NM_001193495.2, NM_001365046.1, NM_001365047.1 and 2 more transcripts); c.2579G>A, p.Cys860Tyr (NM_001365045.1); c.1589G>A, p.Cys530Tyr (NM_001365049.1); c.2474G>A, p.Cys825Tyr (NM_015840.4); c.2417G>A, p.Cys806Tyr (NM_015841.4); short protein forms C530Y, C556Y, C806Y, C825Y, C851Y, C860Y.
Identifiers: ClinVar variation 2639373 (VCV002639373.25), dbSNP rs2526514620, ClinGen allele CA342636993.